The following is an entry in ClinVar:

NM_000110.4(DPYD):c.511A>T (p.Ile171Phe)

Gene: DPYD (dihydropyrimidine dehydrogenase; minus strand). Cytogenetic location: 1p21.3.
Variant type: single nucleotide variant.
Coding change: c.511A>T on transcript NM_000110.4 (MANE Select); coding-DNA position 511, A replaced by T.
Protein change: p.Ile171Phe; replaces isoleucine 171 with phenylalanine.
Molecular consequence: missense variant.
Genome position (GRCh38, 1-based): chr1:97,699,520, T>A on the plus strand (A>T on the coding strand, the complement: DPYD is on the minus strand). VCF-style: chr1-97699520-T-A. GRCh37 (hg19) VCF-style: chr1-98165076-T-A.
Other names: short protein forms I171F.
Identifiers: ClinVar variation 3390790 (VCV003390790.2).

ClinVar aggregate classification (germline): Uncertain significance (1 of 4 stars; one submission).

gnomAD v4.1: 4 of 1,613,554 alleles (0.00025%); highest among the groups gnomAD compares: Non-Finnish European, 0.00034%; no homozygotes.

Submission:

GeneDx
Classification: Uncertain significance. Last evaluated: 2026-04-16. Review status: criteria provided, single submitter. Criteria: GeneDx Variant Classification Process June 2021. Collection method: clinical testing. Allele origin: germline.
Comment: Not observed at significant frequency in large population cohorts (gnomAD); In silico analysis supports that this missense variant has a deleterious effect on protein structure/function; Has not been previously published as pathogenic or benign to our knowledge